The following is an entry in ClinVar:

NM_001999.4(FBN2):c.8045C>T (p.Ser2682Leu)

Gene: FBN2 (fibrillin 2; minus strand). Cytogenetic location: 5q23.3.
Variant type: single nucleotide variant.
Coding change: c.8045C>T on transcript NM_001999.4 (MANE Select); coding-DNA position 8045, C replaced by T.
Protein change: p.Ser2682Leu; replaces serine 2682 with leucine.
Molecular consequence: missense variant.
Genome position (GRCh38, 1-based): chr5:128,263,572, G>A on the plus strand (C>T on the coding strand, the complement: FBN2 is on the minus strand). VCF-style: chr5-128263572-G-A. GRCh37 (hg19) VCF-style: chr5-127599264-G-A.
Other names: c.8045C>T (NM_001999.3); short protein forms S2682L.
Identifiers: ClinVar variation 1496270 (VCV001496270.9), dbSNP rs370250073, ClinGen allele CA3393947.

ClinVar aggregate classification (germline): Conflicting classifications of pathogenicity. Review status: criteria provided, conflicting classifications (1 of 4 stars). 2 submissions from 2 submitters: Uncertain significance (1); Likely benign (1). Last evaluated 2025-11-18.

Conditions:
Congenital contractural arachnodactyly (CCA). Also called: Beals-Hecht syndrome; BEALS SYNDROME; Arthrogryposis, distal, type 9. Identifiers: Orphanet 115, MedGen C0220668, MONDO:0007363, OMIM 121050.
Familial thoracic aortic aneurysm and aortic dissection (TAAD). Also called: Thoracic aortic aneurysms and dissections. Identifiers: Orphanet 91387, MedGen C4707243, MONDO:0019625.

Allele frequency attached by ClinVar (database versions not stated): gnomAD 0.00001; TOPMed 0.00003; ESP Exome Variant Server 0.00008.
gnomAD v4.1: 15 of 1,613,986 alleles (0.00093%); highest among the groups gnomAD compares: African/African-American, 0.0013%; no homozygotes.

Submissions (2):

Labcorp Genetics (formerly Invitae), Labcorp
Classification: Likely benign for Congenital contractural arachnodactyly. Last evaluated: 2025-11-18. Review status: criteria provided, single submitter. Criteria: Invitae Variant Classification Sherloc (09022015). Collection method: clinical testing. Allele origin: germline.

Ambry Genetics
Classification: Uncertain significance for Familial thoracic aortic aneurysm and aortic dissection. Last evaluated: 2025-02-28. Review status: criteria provided, single submitter. Criteria: Ambry Variant Classification Scheme 2023. Collection method: clinical testing. Allele origin: germline.
Comment: The p.S2682L variant (also known as c.8045C>T), located in coding exon 63 of the FBN2 gene, results from a C to T substitution at nucleotide position 8045. The serine at codon 2682 is replaced by leucine, an amino acid with dissimilar properties. This amino acid position is well conserved in available vertebrate species. In addition, this alteration is predicted to be deleterious by in silico analysis. Based on the available evidence, the clinical significance of this variant remains unclear.